The following is an entry in ClinVar:

NM_001083116.3(PRF1):c.1422_1423del (p.Gly476fs)

Gene: PRF1 (perforin 1; minus strand). Cytogenetic location: 10q22.1.
Variant type: Deletion.
Coding change: c.1422_1423del on transcript NM_001083116.3 (MANE Select); coding-DNA positions 1422 to 1423, 2 bases deleted (AG; older notation c.1422_1423delAG).
Protein change: p.Gly476fs; shifts the reading frame from glycine 476.
Molecular consequence: frameshift variant.
Genome position (GRCh38, 1-based): chr10:70,598,298-70,598,299, CT deleted on the plus strand (AG on the coding strand, the reverse complement: PRF1 is on the minus strand). VCF-style (leftmost placement, unchanged base first): chr10-70598297-CCT-C. GRCh37 (hg19) VCF-style: chr10-72358053-CCT-C.
Other names: c.1422_1423del, p.Gly476fs (NM_005041.6); short protein forms G476fs.
Identifiers: ClinVar variation 2763755 (VCV002763755.4), dbSNP rs2493482360, ClinGen allele CA2697558425.
Genomic context (GRCh38, chr10:70,598,297, plus strand): 5'-CCAAGGAGGTCATCGTCCCTGCCAGAGTCCTGATCCCAGACCTGCAACCTCAGGGGCCCC[CCT>C]GTGGCCAGGAGCACATCCCCAAAATCCAGCCGCACTGACCAGATGGGGTTGTTATTGTCC-3'

ClinVar aggregate classification (germline): Pathogenic. Review status: criteria provided, multiple submitters, no conflicts (2 of 4 stars). 2 submissions from 2 submitters: Pathogenic (2). Last evaluated 2026-02-12.

Conditions:
Familial hemophagocytic lymphohistiocytosis 2 (FHL2). Also called: PRF1-Related Familial Hemophagocytic Lymphohistiocytosis (PRF1-fHLH). Identifiers: Orphanet 540, MedGen C1863727, MONDO:0011337, OMIM 603553.

Submissions (2):

Myriad Genetics, Inc.
Classification: Pathogenic for Familial hemophagocytic lymphohistiocytosis 2. Last evaluated: 2026-02-12. Review status: criteria provided, single submitter. Criteria: Myriad Autosomal Dominant, Autosomal Recessive and X-Linked Classification Criteria (2023). Collection method: clinical testing. Allele origin: unknown.
Comment: NM_001083116.1(PRF1):c.1422_1423delAG(G476Afs*16) is a frameshift variant classified as pathogenic in the context of familial hemophagocytic lymphohistiocytosis, PRF1-related. G476Afs*16 has not been observed in cases with relevant disease. Relevant functional assessments of this variant are not available in the literature. G476Afs*16 has not been observed in referenced population frequency databases. In summary, NM_001083116.1(PRF1):c.1422_1423delAG(G476Afs*16) is a frameshift variant in a gene where loss of function is a known mechanism of disease and is predicted to disrupt protein function. Please note: this variant was assessed in the context of healthy population screening.

Labcorp Genetics (formerly Invitae), Labcorp
Classification: Pathogenic for Familial hemophagocytic lymphohistiocytosis 2. Last evaluated: 2025-06-09. Review status: criteria provided, single submitter. Criteria: Invitae Variant Classification Sherloc (09022015). Collection method: clinical testing. Allele origin: germline.
Comment: This sequence change creates a premature translational stop signal (p.Gly476Alafs*16) in the PRF1 gene. While this is not anticipated to result in nonsense mediated decay, it is expected to disrupt the last 80 amino acid(s) of the PRF1 protein. This variant is not present in population databases (gnomAD no frequency). This variant has not been reported in the literature in individuals affected with PRF1-related conditions. ClinVar contains an entry for this variant (Variation ID: 2763755). This variant disrupts a region of the PRF1 protein in which other variant(s) (p.Asp491Asn) have been determined to be pathogenic (PMID: 17477373, 25577959, 33746956). This suggests that this is a clinically significant region of the protein, and that variants that disrupt it are likely to be disease-causing. For these reasons, this variant has been classified as Pathogenic.

Literature cited by the submitters: PubMed 17477373 (cited by Labcorp Genetics (formerly Invitae), Labcorp); PubMed 25577959 (cited by Labcorp Genetics (formerly Invitae), Labcorp); PubMed 33746956 (cited by Labcorp Genetics (formerly Invitae), Labcorp).